The following is an entry in ClinVar:

NM_001370298.3(FGD4):c.2292_2294del (p.Lys765del)

Gene: FGD4 (FYVE, RhoGEF and PH domain containing 4; plus strand). Cytogenetic location: 12p11.21.
Variant type: Deletion.
Coding change: c.2292_2294del on transcript NM_001370298.3 (MANE Select); coding-DNA positions 2292 to 2294, 3 bases deleted (GAA; older notation c.2292_2294delGAA).
Protein change: p.Lys765del; deletes lysine 765.
Molecular consequence: inframe deletion. On other transcripts: inframe indel (1).
Genome position (GRCh38, 1-based): chr12:32,633,668-32,633,670, GAA deleted; deleting any 3 consecutive bases within chr12:32,633,666-32,633,670 gives the same sequence; the c. name uses the placement nearest the transcript's 3' end. VCF-style (leftmost placement, unchanged base first): chr12-32633665-AAAG-A. GRCh37 (hg19) VCF-style: chr12-32786599-AAAG-A.
Other names: c.2136_2138delGAA, p.Lys713del (NM_001304481.2); c.1137_1139del, p.Lys380del (NM_001304483.2); c.849_851del, p.Lys284del (NM_001304484.2); c.1602_1604del, p.Lys535del (NM_001330373.2, NM_001330374.2, NM_001384130.1); c.1329_1331del, p.Lys444del (NM_001370297.1); c.2292_2294del, p.Lys765del (NM_001384126.1); c.1881_1883del, p.Lys628del (NM_001384127.1, NM_001384128.1, NM_001385118.1 and 1 more transcripts); short protein forms K284del, K765del, K380del, K713del, K444del, K535del, K628del.
Identifiers: ClinVar variation 2090733 (VCV002090733.4), dbSNP rs2540825374, ClinGen allele CA2580085360.

ClinVar aggregate classification (germline): Uncertain significance (1 of 4 stars; one submission).

Conditions:
Charcot-Marie-Tooth disease type 4. Also called: Charcot-Marie-Tooth disease, type IV; Charcot-Marie-Tooth, Type 4. Identifiers: Orphanet 64749, MedGen C4082197, MONDO:0018995.

Submission:

Labcorp Genetics (formerly Invitae), Labcorp
Classification: Uncertain significance for Charcot-Marie-Tooth disease type 4. Last evaluated: 2022-01-28. Review status: criteria provided, single submitter. Criteria: Invitae Variant Classification Sherloc (09022015). Collection method: clinical testing. Allele origin: germline.
Comment: This variant, c.1881_1883del, results in the deletion of 1 amino acid(s) of the FGD4 protein (p.Lys628del), but otherwise preserves the integrity of the reading frame. This variant is not present in population databases (gnomAD no frequency). This variant has not been reported in the literature in individuals affected with FGD4-related conditions. Experimental studies and prediction algorithms are not available or were not evaluated, and the functional significance of this variant is currently unknown. In summary, the available evidence is currently insufficient to determine the role of this variant in disease. Therefore, it has been classified as a Variant of Uncertain Significance.